The following is an entry in ClinVar:

ClinVar aggregate classification (germline): Pathogenic (1 of 4 stars; one submission).

Submission:

Labcorp Genetics (formerly Invitae), Labcorp
Classification: Pathogenic. Last evaluated: 2024-02-24. Review status: criteria provided, single submitter. Criteria: Invitae Variant Classification Sherloc (09022015). Collection method: clinical testing. Allele origin: germline.
Comment: This sequence change creates a premature translational stop signal (p.Tyr871*) in the AHDC1 gene. It is expected to result in an absent or disrupted protein product. Loss-of-function variants in AHDC1 are known to be pathogenic (PMID: 24791903, 27148574). This variant is not present in population databases (gnomAD no frequency). This variant has not been reported in the literature in individuals affected with AHDC1-related conditions. For these reasons, this variant has been classified as Pathogenic.

Literature cited by the submitters: PubMed 24791903; PubMed 27148574.

NM_001371928.1(AHDC1):c.2612dup (p.Tyr871Ter)

Gene: AHDC1 (AT-hook DNA binding motif containing 1; minus strand). Cytogenetic location: 1p36.11.
Variant type: Duplication.
Coding change: c.2612dup on transcript NM_001371928.1 (MANE Select); coding-DNA position 2612, one base duplicated (A; older notation c.2612dupA).
Protein change: p.Tyr871Ter; replaces tyrosine 871 with a stop codon.
Molecular consequence: nonsense.
Genome position (GRCh38, 1-based): chr1:27,549,504, T duplicated on the plus strand (A on the coding strand, the reverse complement: AHDC1 is on the minus strand). VCF-style (leftmost placement, unchanged base first): chr1-27549503-A-AT. GRCh37 (hg19) VCF-style: chr1-27876014-A-AT.
Other names: c.2612dup, p.Tyr871Ter (NM_001029882.3); short protein forms Y871*.
Identifiers: ClinVar variation 3643140 (VCV003643140.2).